The following is an entry in ClinVar:

NM_213599.3(ANO5):c.443G>T (p.Gly148Val)

Gene: ANO5 (anoctamin 5; plus strand). Cytogenetic location: 11p14.3.
Variant type: single nucleotide variant.
Coding change: c.443G>T on transcript NM_213599.3 (MANE Select); coding-DNA position 443, G replaced by T.
Protein change: p.Gly148Val; replaces glycine 148 with valine.
Molecular consequence: missense variant.
Genome position (GRCh38, 1-based): chr11:22,227,381, G>T. VCF-style: chr11-22227381-G-T. GRCh37 (hg19) VCF-style: chr11-22248927-G-T.
Other names: c.440G>T, p.Gly147Val (NM_001142649.2); c.443G>T (NM_213599.2); short protein forms G147V, G148V.
Identifiers: ClinVar variation 1380764 (VCV001380764.7), dbSNP rs912120379, ClinGen allele CA218735241.

ClinVar aggregate classification (germline): Uncertain significance. Review status: criteria provided, multiple submitters, no conflicts (2 of 4 stars). 2 submissions from 2 submitters: Uncertain significance (2). Last evaluated 2024-12-10.

Conditions:
Autosomal recessive limb-girdle muscular dystrophy type 2L (LGMDR12). Also called: Limb-girdle muscular dystrophy, type 2L; MUSCULAR DYSTROPHY, LIMB-GIRDLE, AUTOSOMAL RECESSIVE 12; Limb-Girdle Muscular Dystrophy R12 Anoctamin-5-Related (LGMD-R12). Identifiers: Orphanet 206549, MedGen C1969785, MONDO:0012652, OMIM 611307.
Gnathodiaphyseal dysplasia (GDD). Also called: GNATHODIAPHYSEAL SCLEROSIS; OSTEOGENESIS IMPERFECTA WITH UNUSUAL SKELETAL LESIONS. Identifiers: Orphanet 53697, MedGen C1833736, MONDO:0008151, OMIM 166260.

Allele frequency attached by ClinVar (database versions not stated): gnomAD 0.00003 and 0.00004; gnomAD exomes below 0.00001; TOPMed 0.00002.
gnomAD v4.1: 9 of 1,613,288 alleles (0.00056%); highest among the groups gnomAD compares: African/African-American, 0.012%; no homozygotes.

Submissions (2):

Labcorp Genetics (formerly Invitae), Labcorp
Classification: Uncertain significance for Autosomal recessive limb-girdle muscular dystrophy type 2L; Gnathodiaphyseal dysplasia. Last evaluated: 2024-12-10. Review status: criteria provided, single submitter. Criteria: Invitae Variant Classification Sherloc (09022015). Collection method: clinical testing. Allele origin: germline.
Comment: This sequence change replaces glycine, which is neutral and non-polar, with valine, which is neutral and non-polar, at codon 148 of the ANO5 protein (p.Gly148Val). This variant is present in population databases (no rsID available, gnomAD 0.007%). This variant has not been reported in the literature in individuals affected with ANO5-related conditions. ClinVar contains an entry for this variant (Variation ID: 1380764). Invitae Evidence Modeling of protein sequence and biophysical properties (such as structural, functional, and spatial information, amino acid conservation, physicochemical variation, residue mobility, and thermodynamic stability) has been performed for this missense variant. However, the output from this modeling did not meet the statistical confidence thresholds required to predict the impact of this variant on ANO5 protein function. In summary, the available evidence is currently insufficient to determine the role of this variant in disease. Therefore, it has been classified as a Variant of Uncertain Significance.

GeneDx
Classification: Uncertain significance. Last evaluated: 2023-08-29. Review status: criteria provided, single submitter. Criteria: GeneDx Variant Classification Process June 2021. Collection method: clinical testing. Allele origin: germline. Affected: yes.
Comment: Not observed at significant frequency in large population cohorts (gnomAD); In silico analysis supports that this missense variant has a deleterious effect on protein structure/function; Has not been previously published as pathogenic or benign to our knowledge